The following is an entry in ClinVar:

ClinVar aggregate classification (germline): Uncertain significance (1 of 4 stars; one submission).

Conditions:
Hereditary cancer-predisposing syndrome. Also called: Neoplastic Syndromes, Hereditary; Tumor predisposition; Hereditary neoplastic syndrome; Hereditary Cancer Syndrome. Identifiers: Orphanet 140162, MedGen C0027672, MeSH D009386, MONDO:0015356.

Submission:

Ambry Genetics
Classification: Uncertain significance for Hereditary cancer-predisposing syndrome. Last evaluated: 2026-07-07. Review status: criteria provided, single submitter. Criteria: Ambry Variant Classification Scheme 2023. Collection method: clinical testing. Allele origin: germline.
Comment: The p.G137C variant (also known as c.409G>T), located in coding exon 5 of the MAX gene, results from a G to T substitution at nucleotide position 409. The glycine at codon 137 is replaced by cysteine, an amino acid with highly dissimilar properties. This amino acid position is conserved. In addition, this alteration is predicted to be deleterious by in silico analysis. Based on the available evidence, the clinical significance of this variant remains unclear.

NM_002382.5(MAX):c.409G>T (p.Gly137Cys)

Gene: MAX (MYC associated transcriptional regulator X; minus strand). Cytogenetic location: 14q23.3.
Variant type: single nucleotide variant.
Coding change: c.409G>T on transcript NM_002382.5 (MANE Select); coding-DNA position 409, G replaced by T.
Protein change: p.Gly137Cys; replaces glycine 137 with cysteine.
Molecular consequence: missense variant. On other transcripts: 3 prime UTR variant (12), non-coding transcript variant (7), intron variant (2).
Genome position (GRCh38, 1-based): chr14:65,076,550, C>A on the plus strand (G>T on the coding strand, the complement: MAX is on the minus strand). VCF-style: chr14-65076550-C-A. GRCh37 (hg19) VCF-style: chr14-65543268-C-A.
Other names: c.220G>T, p.Gly74Cys (NM_001320415.2, NM_001407105.1, NM_001407106.1 and 1 more transcripts); c.409G>T, p.Gly137Cys (NM_001407094.1); c.382G>T, p.Gly128Cys (NM_001407095.1, NM_145112.3); c.*182G>T (NM_001407096.1, NM_001407099.1, NM_001407102.1 and 2 more transcripts); c.*198G>T (NM_001407097.1, NM_001407100.1, NM_001407101.1 and 4 more transcripts); c.301G>T, p.Gly101Cys (NM_001407098.1); c.208G>T, p.Gly70Cys (NM_001407111.1, NM_001407112.1); c.144+17158G>T (NM_001271069.2); and 1 more; short protein forms G74C, G137C, G128C, G101C, G70C.
Identifiers: ClinVar variation 5023941 (VCV005023941.1).